The following is an entry in ClinVar:

ClinVar aggregate classification (germline): Uncertain significance (1 of 4 stars; one submission).

Submission:

Women's Health and Genetics/Laboratory Corporation of America, LabCorp
Classification: Uncertain significance. Last evaluated: 2023-12-12. Review status: criteria provided, single submitter. Criteria: LabCorp Variant Classification Summary - May 2015. Collection method: clinical testing. Allele origin: germline.
Comment: Variant summary: HBB c.116C>G (p.Thr39Ser) results in a conservative amino acid change in the encoded protein sequence, altering a highly conserved residue in which other missense variants have been described as altering oxygen affinity (HGMD, OMIM). Four of five in-silico tools predict a damaging effect of the variant on protein function. The variant was absent in 251376 control chromosomes (gnomAD). The available data on variant occurrences in the general population are insufficient to allow any conclusion about variant significance. c.116C>G has been reported in the literature in two related heterozygous individuals affected with hypoxia and mild anemia (Taliercio_2013). This report does not provide unequivocal conclusions about association of the variant with Hemoglobinopathy. At least one publication reports experimental evidence evaluating an impact on protein function, finding a lower oxygen affinity in the patient's sample (Taliercio_2013). The following publication has been ascertained in the context of this evaluation (PMID: 23651408). No submitters have cited clinical-significance assessments for this variant to ClinVar after 2014. Based on the evidence outlined above, the variant was classified as uncertain significance.

Literature cited by the submitters: PubMed 23651408.

NM_000518.5(HBB):c.116C>G (p.Thr39Ser)

Genes: HBB (hemoglobin subunit beta; minus strand), LOC106099062 (HBB recombination region; plus strand), LOC107133510 (origin of replication at HBB; plus strand). Cytogenetic location: 11p15.4.
Variant type: single nucleotide variant.
Coding change: c.116C>G on transcript NM_000518.5 (MANE Select); coding-DNA position 116, C replaced by G.
Protein change: p.Thr39Ser; replaces threonine 39 with serine.
Molecular consequence: missense variant.
Genome position (GRCh38, 1-based): chr11:5,226,776, G>C on the plus strand (C>G on the coding strand, the complement: HBB is on the minus strand). VCF-style: chr11-5226776-G-C. GRCh37 (hg19) VCF-style: chr11-5248006-G-C.
Other names: short protein forms T39S.
Identifiers: ClinVar variation 2691626 (VCV002691626.1), dbSNP rs34703513, ClinGen allele CA379274567.
Genomic context (GRCh38, chr11:5,226,776, plus strand): 5'-GGGTTGCCCATAACAGCATCAGGAGTGGACAGATCCCCAAAGGACTCAAAGAACCTCTGG[G>C]TCCAAGGGTAGACCACCAGCAGCCTAAGGGTGGGAAAATAGACCAATAGGCAGAGAGAGT-3'
Protein context (NP_000509.1, residues 29-49): LGRLLVVYPW[Thr39Ser]QRFFESFGDL